The following is an entry in ClinVar:

NM_003383.5(VLDLR):c.104C>T (p.Pro35Leu)

Gene: VLDLR (very low density lipoprotein receptor; plus strand). Cytogenetic location: 9p24.2.
Variant type: single nucleotide variant.
Coding change: c.104C>T on transcript NM_003383.5 (MANE Select); coding-DNA position 104, C replaced by T.
Protein change: p.Pro35Leu; replaces proline 35 with leucine.
Molecular consequence: missense variant.
Genome position (GRCh38, 1-based): chr9:2,635,474, C>T. VCF-style: chr9-2635474-C-T. GRCh37 (hg19) VCF-style: chr9-2635474-C-T.
Other names: c.104C>T, p.Pro35Leu (NM_001018056.3, NM_001322225.2, NM_001322226.2); short protein forms P35L.
Identifiers: ClinVar variation 1336107 (VCV001336107.12), dbSNP rs113809568, ClinGen allele CA4964429.

ClinVar aggregate classification (germline): Conflicting classifications of pathogenicity. Review status: criteria provided, conflicting classifications (1 of 4 stars). 5 submissions from 5 submitters: Uncertain significance (4); Likely benign (1). Last evaluated 2026-03-26.

Conditions:
Inborn genetic diseases. Identifiers: MedGen C0950123, MeSH D030342.
VLDLR-related disorder. Also called: VLDLR-related condition.

Allele frequency attached by ClinVar (database versions not stated): gnomAD exomes 0.00003 and 0.00007; ExAC 0.00007; ESP Exome Variant Server 0.00008; 1000 Genomes Project 30x 0.00016; 1000 Genomes Project 0.00020.
gnomAD v4.1: 80 of 1,614,008 alleles (0.005%); highest among the groups gnomAD compares: African/African-American, 0.091%; no homozygotes.

Submissions (5):

PreventionGenetics, part of Exact Sciences
Classification: Uncertain significance for VLDLR-related condition. Last evaluated: 2026-03-26. Review status: criteria provided, single submitter. Criteria: ACMG Guidelines, 2015. Collection method: clinical testing. Allele origin: germline.
Comment: The VLDLR c.104C>T variant is predicted to result in the amino acid substitution p.Pro35Leu. To our knowledge, this variant has not been reported in the literature. This variant is reported in 0.096% of alleles in individuals of African descent in gnomAD. At this time, the clinical significance of this variant is uncertain due to the absence of conclusive functional and genetic evidence.

Labcorp Genetics (formerly Invitae), Labcorp
Classification: Likely benign. Last evaluated: 2026-01-18. Review status: criteria provided, single submitter. Criteria: Invitae Variant Classification Sherloc (09022015). Collection method: clinical testing. Allele origin: germline.

GeneDx
Classification: Uncertain significance. Last evaluated: 2022-04-23. Review status: criteria provided, single submitter. Criteria: GeneDx Variant Classification Process June 2021. Collection method: clinical testing. Allele origin: germline. Affected: yes.
Comment: In silico analysis supports that this missense variant has a deleterious effect on protein structure/function; Has not been previously published as pathogenic or benign to our knowledge

Ambry Genetics
Classification: Uncertain significance for Inborn genetic diseases. Last evaluated: 2021-06-08. Review status: criteria provided, single submitter. Criteria: Ambry Variant Classification Scheme 2023. Collection method: clinical testing. Allele origin: germline.

Genetic Services Laboratory, University of Chicago
Classification: Uncertain significance. Last evaluated: 2018-08-08. Review status: criteria provided, single submitter. Criteria: ACMG Guidelines, 2015. Collection method: clinical testing. Allele origin: germline. Affected: no.